The following is an entry in ClinVar:

NM_001110556.2(FLNA):c.4390C>T (p.Arg1464Cys)

Gene: FLNA (filamin A; minus strand). Cytogenetic location: Xq28.
Variant type: single nucleotide variant.
Coding change: c.4390C>T on transcript NM_001110556.2 (MANE Select); coding-DNA position 4390, C replaced by T.
Protein change: p.Arg1464Cys; replaces arginine 1464 with cysteine.
Molecular consequence: missense variant.
Genome position (GRCh38, 1-based): chrX:154,359,068, G>A on the plus strand (C>T on the coding strand, the complement: FLNA is on the minus strand). VCF-style: chrX-154359068-G-A. GRCh37 (hg19) VCF-style: chrX-153587436-G-A.
Other names: c.4390C>T, p.Arg1464Cys (NM_001456.4); short protein forms R1464C.
Identifiers: ClinVar variation 1306589 (VCV001306589.9), dbSNP rs1557177400, ClinGen allele CA415216800.

ClinVar aggregate classification (germline): Conflicting classifications of pathogenicity. Review status: criteria provided, conflicting classifications (1 of 4 stars). 2 submissions from 2 submitters: Uncertain significance (1); Likely benign (1). Last evaluated 2025-07-07.

Conditions:
Melnick-Needles syndrome (MNS). Also called: MELNICK-NEEDLES OSTEODYSPLASTY; OSTEODYSPLASTY OF MELNICK AND NEEDLES; Melnick-Needles Syndrome (FLNA-MNS). Identifiers: Orphanet 2484, MedGen C0025237, MONDO:0010650, OMIM 309350.
Frontometaphyseal dysplasia (FMD1). Identifiers: MONDO:0015942, Orphanet 1826, MedGen C0265293.
Oto-palato-digital syndrome, type II (OPD2). Also called: Otopalatodigital Syndrome, Type II; FACIOPALATOOSSEOUS SYNDROME; OPD II SYNDROME; Otopalatodigital Syndrome Type 2 (FLNA-OPD2). Identifiers: Orphanet 669, Orphanet 90652, MedGen C1844696, MONDO:0010571, OMIM 304120.
Heterotopia, periventricular, X-linked dominant (PVNH1). Also called: X-linked periventricular heterotopia; PERIVENTRICULAR NODULAR HETEROTOPIA 4; HETEROTOPIA, PERIVENTRICULAR, 1; PERIVENTRICULAR NODULAR HETEROTOPIA 1. Identifiers: Orphanet 2149, Orphanet 82004, MedGen C1848213, MONDO:0010233, OMIM 300049.

Allele frequency attached by ClinVar (database versions not stated): gnomAD exomes below 0.00001 and 0.00001.
gnomAD v4.1: 5 of 1,211,171 alleles (0.00041%); highest among the groups gnomAD compares: Non-Finnish European, 0.00056%; no homozygotes.

Submissions (2):

Labcorp Genetics (formerly Invitae), Labcorp
Classification: Likely benign for Oto-palato-digital syndrome, type II; Heterotopia, periventricular, X-linked dominant; Frontometaphyseal dysplasia; Melnick-Needles syndrome. Last evaluated: 2025-07-07. Review status: criteria provided, single submitter. Criteria: Invitae Variant Classification Sherloc (09022015). Collection method: clinical testing. Allele origin: germline.

GeneDx
Classification: Uncertain significance. Last evaluated: 2019-02-19. Review status: criteria provided, single submitter. Criteria: GeneDx Variant Classification Process June 2021. Collection method: clinical testing. Allele origin: germline. Affected: yes.
Comment: Not observed at a significant frequency in large population cohorts (Lek et al., 2016); In silico analysis, which includes protein predictors and evolutionary conservation, supports a deleterious effect; Has not been previously published as pathogenic or benign to our knowledge